The following is an entry in ClinVar:

ClinVar aggregate classification (germline): Uncertain significance (1 of 4 stars; one submission).

Submission:

Dasa
Classification: Uncertain significance. Last evaluated: 2025-10-27. Review status: criteria provided, single submitter. Criteria: DASA Assertion Criteria. Collection method: clinical testing. Allele origin: germline.
Comment: NM_005732.4(RAD50):c.419T>G (p.Met140Arg) is a missense variant that results in the substitution of methionine with arginine. This variant is absent from population databases. Computational prediction algorithms are consistent with a deleterious effect. The currently available literature and clinical evidence are not sufficient to establish a definitive association between this variant and the reported condition. Therefore, this variant is classified as a variant of uncertain significance.

NM_005732.4(RAD50):c.419T>G (p.Met140Arg)

Gene: RAD50 (RAD50 double strand break repair protein; plus strand). Cytogenetic location: 5q31.1.
Variant type: single nucleotide variant.
Coding change: c.419T>G on transcript NM_005732.4 (MANE Select); coding-DNA position 419, T replaced by G.
Protein change: p.Met140Arg; replaces methionine 140 with arginine.
Molecular consequence: missense variant.
Genome position (GRCh38, 1-based): chr5:132,579,370, T>G. VCF-style: chr5-132579370-T-G. GRCh37 (hg19) VCF-style: chr5-131915062-T-G.
Other names: short protein forms M140R.
Identifiers: ClinVar variation 4886722 (VCV004886722.2).